The following is an entry in ClinVar:

ClinVar aggregate classification (germline): Uncertain significance (1 of 4 stars; one submission).

Conditions:
Perlman syndrome (PRLMNS). Identifiers: Orphanet 2849, MedGen C0796113, MONDO:0009965, OMIM 267000.

Allele frequency attached by ClinVar (database versions not stated): gnomAD exomes below 0.00001.
gnomAD v4.1: 2 of 1,614,126 alleles (0.00012%); highest among the groups gnomAD compares: Non-Finnish European, 0.00017%; no homozygotes.

Submission:

Labcorp Genetics (formerly Invitae), Labcorp
Classification: Uncertain significance for Perlman syndrome. Last evaluated: 2023-11-20. Review status: criteria provided, single submitter. Criteria: Invitae Variant Classification Sherloc (09022015). Collection method: clinical testing. Allele origin: germline.
Comment: This sequence change replaces serine, which is neutral and polar, with leucine, which is neutral and non-polar, at codon 175 of the DIS3L2 protein (p.Ser175Leu). This variant is not present in population databases (gnomAD no frequency). This variant has not been reported in the literature in individuals affected with DIS3L2-related conditions. ClinVar contains an entry for this variant (Variation ID: 575243). Algorithms developed to predict the effect of missense changes on protein structure and function output the following: SIFT: "Not Available"; PolyPhen-2: "Benign"; Align-GVGD: "Not Available". The leucine amino acid residue is found in multiple mammalian species, which suggests that this missense change does not adversely affect protein function. In summary, the available evidence is currently insufficient to determine the role of this variant in disease. Therefore, it has been classified as a Variant of Uncertain Significance.

NM_152383.5(DIS3L2):c.524C>T (p.Ser175Leu)

Gene: DIS3L2 (DIS3 like 3'-5' exoribonuclease 2; plus strand). Cytogenetic location: 2q37.1.
Variant type: single nucleotide variant.
Coding change: c.524C>T on transcript NM_152383.5 (MANE Select); coding-DNA position 524, C replaced by T.
Protein change: p.Ser175Leu; replaces serine 175 with leucine.
Molecular consequence: missense variant. On other transcripts: non-coding transcript variant (2).
Genome position (GRCh38, 1-based): chr2:232,087,644, C>T. VCF-style: chr2-232087644-C-T. GRCh37 (hg19) VCF-style: chr2-232952354-C-T.
Other names: c.524C>T, p.Ser175Leu (NM_001257281.2, NM_001257282.2); short protein forms S175L.
Identifiers: ClinVar variation 575243 (VCV000575243.8), dbSNP rs1559615265, ClinGen allele CA351155170.